The following is an entry in ClinVar:

ClinVar aggregate classification (germline): Uncertain significance (1 of 4 stars; one submission).

Allele frequency attached by ClinVar (database versions not stated): gnomAD 0.00001.
gnomAD v4.1: 2 of 1,613,960 alleles (0.00012%); highest among the groups gnomAD compares: Non-Finnish European, 0.000085%; no homozygotes.

Submission:

Labcorp Genetics (formerly Invitae), Labcorp
Classification: Uncertain significance. Last evaluated: 2022-05-07. Review status: criteria provided, single submitter. Criteria: Invitae Variant Classification Sherloc (09022015). Collection method: clinical testing. Allele origin: germline.
Comment: This sequence change replaces phenylalanine, which is neutral and non-polar, with valine, which is neutral and non-polar, at codon 1363 of the FAT4 protein (p.Phe1363Val). This variant is present in population databases (no rsID available, gnomAD 0.007%). This variant has not been reported in the literature in individuals affected with FAT4-related conditions. Algorithms developed to predict the effect of missense changes on protein structure and function (SIFT, PolyPhen-2, Align-GVGD) all suggest that this variant is likely to be disruptive. In summary, the available evidence is currently insufficient to determine the role of this variant in disease. Therefore, it has been classified as a Variant of Uncertain Significance.

NM_001291303.3(FAT4):c.4087T>G (p.Phe1363Val)

Gene: FAT4 (FAT atypical cadherin 4; plus strand). Cytogenetic location: 4q28.1.
Variant type: single nucleotide variant.
Coding change: c.4087T>G on transcript NM_001291303.3 (MANE Select); coding-DNA position 4087, T replaced by G.
Protein change: p.Phe1363Val; replaces phenylalanine 1363 with valine.
Molecular consequence: missense variant.
Genome position (GRCh38, 1-based): chr4:125,320,498, T>G. VCF-style: chr4-125320498-T-G. GRCh37 (hg19) VCF-style: chr4-126241653-T-G.
Other names: c.4087T>G, p.Phe1363Val (NM_001291285.3, NM_024582.6); short protein forms F1363V.
Identifiers: ClinVar variation 1974811 (VCV001974811.2), dbSNP rs1370558546, ClinGen allele CA358125650.
Genomic context (GRCh38, chr4:125,320,498, plus strand): 5'-GATTCAGGTGACAATGCTGATTTATATTACAGTATTACTGGGACTAACAACCACGGAACT[T>G]TTAGCATTAGCCCAAACACTGGGAGTATTTTTCTTGCCAAAAAACTGGACTTTGAAACAC-3'
Protein context (NP_001278232.1, residues 1353-1373): SITGTNNHGT[Phe1363Val]SISPNTGSIF